The following is an entry in ClinVar:

NM_198578.4(LRRK2):c.1887A>C (p.Lys629Asn)

Gene: LRRK2 (leucine rich repeat kinase 2; plus strand). Cytogenetic location: 12q12.
Variant type: single nucleotide variant.
Coding change: c.1887A>C on transcript NM_198578.4 (MANE Select); coding-DNA position 1887, A replaced by C.
Protein change: p.Lys629Asn; replaces lysine 629 with asparagine.
Molecular consequence: missense variant.
Genome position (GRCh38, 1-based): chr12:40,274,939, A>C. VCF-style: chr12-40274939-A-C. GRCh37 (hg19) VCF-style: chr12-40668741-A-C.
Other names: short protein forms K629N.
Identifiers: ClinVar variation 3229533 (VCV003229533.1), dbSNP rs1227175938, ClinGen allele CA384403513.

ClinVar aggregate classification (germline): Uncertain significance (1 of 4 stars; one submission).

Conditions:
Inborn genetic diseases. Identifiers: MedGen C0950123, MeSH D030342.

Allele frequency attached by ClinVar (database versions not stated): TOPMed below 0.00001.

Submission:

Ambry Genetics
Classification: Uncertain significance for Inborn genetic diseases. Last evaluated: 2024-02-28. Review status: criteria provided, single submitter. Criteria: Ambry Variant Classification Scheme 2023. Collection method: clinical testing. Allele origin: germline.
Comment: The p.K629N variant (also known as c.1887A>C), located in coding exon 16 of the LRRK2 gene, results from an A to C substitution at nucleotide position 1887. The lysine at codon 629 is replaced by asparagine, an amino acid with similar properties. This amino acid position is conserved. In addition, this alteration is predicted to be tolerated by in silico analysis. Based on the available evidence, the clinical significance of this alteration remains unclear.